The following is an entry in ClinVar:

ClinVar aggregate classification (germline): Uncertain significance (1 of 4 stars; one submission).

Submission:

GeneDx
Classification: Uncertain significance. Last evaluated: 2024-04-21. Review status: criteria provided, single submitter. Criteria: GeneDx Variant Classification Process June 2021. Collection method: clinical testing. Allele origin: germline. Affected: yes.
Comment: Not observed at significant frequency in large population cohorts (gnomAD); In silico analysis indicates that this missense variant does not alter protein structure/function; Has not been previously published as pathogenic or benign to our knowledge

NM_004463.3(FGD1):c.1591C>A (p.Leu531Met)

Gene: FGD1 (FYVE, RhoGEF and PH domain containing 1; minus strand). Cytogenetic location: Xp11.22.
Variant type: single nucleotide variant.
Coding change: c.1591C>A on transcript NM_004463.3 (MANE Select); coding-DNA position 1591, C replaced by A.
Protein change: p.Leu531Met; replaces leucine 531 with methionine.
Molecular consequence: missense variant.
Genome position (GRCh38, 1-based): chrX:54,465,496, G>T on the plus strand (C>A on the coding strand, the complement: FGD1 is on the minus strand). VCF-style: chrX-54465496-G-T. GRCh37 (hg19) VCF-style: chrX-54491929-G-T.
Other names: short protein forms L531M.
Identifiers: ClinVar variation 3372838 (VCV003372838.1).
Genomic context (GRCh38, chrX:54,465,496, plus strand): 5'-GGTGCACACACTCACTTTGGGCATCCTTGCTGTCCGGGGAGCCATGGGGCAGCTTTAACA[G>T]ATAGTCCTTGAGAAGAAGCTCATAGCGGGGGATGCGCTGCACAGGCTCCAGCATGTGGTG-3'
Protein context (NP_004454.2, residues 521-541): PRYELLLKDY[Leu531Met]LKLPHGSPDS